The following is an entry in ClinVar:

ClinVar aggregate classification (germline): Uncertain significance (1 of 4 stars; one submission).

Conditions:
RASopathy. Also called: Noonan spectrum disorder; rasopathies. Identifiers: Orphanet 536391, MedGen C5555857, MONDO:0021060.

Submission:

Labcorp Genetics (formerly Invitae), Labcorp
Classification: Uncertain significance for RASopathy. Last evaluated: 2021-08-01. Review status: criteria provided, single submitter. Criteria: Invitae Variant Classification Sherloc (09022015). Collection method: clinical testing. Allele origin: germline.
Comment: In summary, the available evidence is currently insufficient to determine the role of this variant in disease. Therefore, it has been classified as a Variant of Uncertain Significance. Advanced modeling of protein sequence and biophysical properties (such as structural, functional, and spatial information, amino acid conservation, physicochemical variation, residue mobility, and thermodynamic stability) performed at Invitae indicates that this missense variant is expected to disrupt RAF1 protein function. This variant has not been reported in the literature in individuals affected with RAF1-related conditions. This variant is not present in population databases (ExAC no frequency). This sequence change replaces aspartic acid with histidine at codon 521 of the RAF1 protein (p.Asp521His). The aspartic acid residue is highly conserved and there is a moderate physicochemical difference between aspartic acid and histidine.

NM_002880.4(RAF1):c.1561G>C (p.Asp521His)

Gene: RAF1 (Raf-1 proto-oncogene, serine/threonine kinase; minus strand). Cytogenetic location: 3p25.2.
Variant type: single nucleotide variant.
Coding change: c.1561G>C on transcript NM_002880.4 (MANE Select); coding-DNA position 1561, G replaced by C.
Protein change: p.Asp521His; replaces aspartic acid 521 with histidine.
Molecular consequence: missense variant. On other transcripts: non-coding transcript variant (3).
Genome position (GRCh38, 1-based): chr3:12,585,229, C>G on the plus strand (G>C on the coding strand, the complement: RAF1 is on the minus strand). VCF-style: chr3-12585229-C-G. GRCh37 (hg19) VCF-style: chr3-12626728-C-G.
Other names: c.1621G>C, p.Asp541His (NM_001354689.3); c.1561G>C, p.Asp521His (NM_001354690.3); c.1318G>C, p.Asp440His (NM_001354691.3, NM_001354692.3); c.1462G>C, p.Asp488His (NM_001354693.3); c.1378G>C, p.Asp460His (NM_001354694.3); c.1219G>C, p.Asp407His (NM_001354695.3); short protein forms D440H, D460H, D407H, D488H, D521H, D541H.
Identifiers: ClinVar variation 1371492 (VCV001371492.6), dbSNP rs2125322844, ClinGen allele CA351497880.